The following is an entry in ClinVar:

NM_001005373.4(LRSAM1):c.1619G>A (p.Ser540Asn)

Gene: LRSAM1 (leucine rich repeat and sterile alpha motif containing 1; plus strand). Cytogenetic location: 9q33.3.
Variant type: single nucleotide variant.
Coding change: c.1619G>A on transcript NM_001005373.4 (MANE Select); coding-DNA position 1619, G replaced by A.
Protein change: p.Ser540Asn; replaces serine 540 with asparagine.
Molecular consequence: missense variant. On other transcripts: non-coding transcript variant (2), intron variant (1).
Genome position (GRCh38, 1-based): chr9:127,495,339, G>A. VCF-style: chr9-127495339-G-A. GRCh37 (hg19) VCF-style: chr9-130257618-G-A.
Other names: c.1619G>A, p.Ser540Asn (NM_001005374.4, NM_001384142.1, NM_138361.5); c.1538G>A, p.Ser513Asn (NM_001190723.3); c.830G>A, p.Ser277Asn (NM_001384144.1); c.1600-625G>A (NM_001384143.1); short protein forms S513N, S540N, S277N.
Identifiers: ClinVar variation 2711522 (VCV002711522.3), dbSNP rs1400819662, ClinGen allele CA374935129.

ClinVar aggregate classification (germline): Uncertain significance (1 of 4 stars; one submission).

Conditions:
Charcot-Marie-Tooth disease axonal type 2P. Also called: CHARCOT-MARIE-TOOTH NEUROPATHY, TYPE 2P; Charcot-Marie-Tooth Neuropathy Type 2G; CHARCOT-MARIE-TOOTH DISEASE, AXONAL, TYPE 2G; CMT 2G. Identifiers: Orphanet 300319, Orphanet 99941, MedGen C3280797, MONDO:0013753, OMIM 614436.

Submission:

Labcorp Genetics (formerly Invitae), Labcorp
Classification: Uncertain significance for Charcot-Marie-Tooth disease axonal type 2P. Last evaluated: 2024-01-25. Review status: criteria provided, single submitter. Criteria: Invitae Variant Classification Sherloc (09022015). Collection method: clinical testing. Allele origin: germline.
Comment: This sequence change replaces serine, which is neutral and polar, with asparagine, which is neutral and polar, at codon 540 of the LRSAM1 protein (p.Ser540Asn). This variant is not present in population databases (gnomAD no frequency). This variant has not been reported in the literature in individuals affected with LRSAM1-related conditions. Advanced modeling of protein sequence and biophysical properties (such as structural, functional, and spatial information, amino acid conservation, physicochemical variation, residue mobility, and thermodynamic stability) performed at Invitae indicates that this missense variant is not expected to disrupt LRSAM1 protein function with a negative predictive value of 80%. In summary, the available evidence is currently insufficient to determine the role of this variant in disease. Therefore, it has been classified as a Variant of Uncertain Significance.